The following is an entry in ClinVar:

NM_004606.5(TAF1):c.4348C>G (p.Leu1450Val)

Gene: TAF1 (TATA-box binding protein associated factor 1; plus strand). Cytogenetic location: Xq13.1.
Variant type: single nucleotide variant.
Coding change: c.4348C>G on transcript NM_004606.5 (MANE Select); coding-DNA position 4348, C replaced by G.
Protein change: p.Leu1450Val; replaces leucine 1450 with valine.
Molecular consequence: missense variant. On other transcripts: non-coding transcript variant (9).
Genome position (GRCh38, 1-based): chrX:71,408,115, C>G. VCF-style: chrX-71408115-C-G. GRCh37 (hg19) VCF-style: chrX-70627965-C-G.
Other names: c.4348C>G, p.Leu1450Val (NM_001286074.2); c.4285C>G, p.Leu1429Val (NM_138923.4); short protein forms L1429V, L1450V.
Identifiers: ClinVar variation 1879768 (VCV001879768.29), dbSNP rs2035569082, ClinGen allele CA413538234.

ClinVar aggregate classification (germline): Uncertain significance (1 of 4 stars; one submission).

Allele frequency attached by ClinVar (database versions not stated): TOPMed below 0.00001; gnomAD exomes 0.00001.
gnomAD v4.1: 14 of 1,211,155 alleles (0.0012%); highest among the groups gnomAD compares: Non-Finnish European, 0.0013%; no homozygotes.

Submission:

CeGaT Center for Human Genetics Tuebingen
Classification: Uncertain significance. Last evaluated: 2022-12-01. Review status: criteria provided, single submitter. Criteria: CeGaT Center For Human Genetics Tuebingen Variant Classification Criteria Version 2. Collection method: clinical testing. Allele origin: germline. Affected: yes. Observed: 1 variant allele.
Comment: TAF1: PM2, PP2